The following is an entry in ClinVar:

ClinVar aggregate classification (germline): Uncertain significance (1 of 4 stars; one submission).

Allele frequency attached by ClinVar (database versions not stated): gnomAD exomes below 0.00001; gnomAD 0.00002.
gnomAD v4.1: 7 of 1,613,756 alleles (0.00043%); highest among the groups gnomAD compares: African/African-American, 0.004%; no homozygotes.

Submission:

Labcorp Genetics (formerly Invitae), Labcorp
Classification: Uncertain significance. Last evaluated: 2022-06-16. Review status: criteria provided, single submitter. Criteria: Invitae Variant Classification Sherloc (09022015). Collection method: clinical testing. Allele origin: germline.
Comment: This sequence change replaces threonine, which is neutral and polar, with alanine, which is neutral and non-polar, at codon 1932 of the ADGRV1 protein (p.Thr1932Ala). This variant is present in population databases (no rsID available, gnomAD 0.0009%). This variant has not been reported in the literature in individuals affected with ADGRV1-related conditions. Algorithms developed to predict the effect of missense changes on protein structure and function are either unavailable or do not agree on the potential impact of this missense change (SIFT: "Tolerated"; PolyPhen-2: "Possibly Damaging"; Align-GVGD: "Class C0"). In summary, the available evidence is currently insufficient to determine the role of this variant in disease. Therefore, it has been classified as a Variant of Uncertain Significance.

NM_032119.4(ADGRV1):c.5794A>G (p.Thr1932Ala)

Gene: ADGRV1 (adhesion G protein-coupled receptor V1; plus strand). Cytogenetic location: 5q14.3.
Variant type: single nucleotide variant.
Coding change: c.5794A>G on transcript NM_032119.4 (MANE Select); coding-DNA position 5794, A replaced by G.
Protein change: p.Thr1932Ala; replaces threonine 1932 with alanine.
Molecular consequence: missense variant. On other transcripts: non-coding transcript variant (1).
Genome position (GRCh38, 1-based): chr5:90,683,715, A>G. VCF-style: chr5-90683715-A-G. GRCh37 (hg19) VCF-style: chr5-89979532-A-G.
Other names: short protein forms T1932A.
Identifiers: ClinVar variation 2007451 (VCV002007451.1), dbSNP rs369026723, ClinGen allele CA360413398.